The following is an entry in ClinVar:

ClinVar aggregate classification (germline): Benign. Review status: criteria provided, multiple submitters, no conflicts (2 of 4 stars). 2 submissions from 2 submitters: Benign (2). Last evaluated 2018-06-16.

Allele frequency attached by ClinVar (database versions not stated): gnomAD 0.03186 and 0.03412; 1000 Genomes Project 0.03315; 1000 Genomes Project 30x 0.03545; TOPMed 0.03612.
gnomAD v4.1: 9,220 of 1,389,098 alleles (0.66%); highest among the groups gnomAD compares: African/African-American, 11%; 455 homozygotes.

Submissions (2):

GeneDx
Classification: Benign. Last evaluated: 2018-06-16. Review status: criteria provided, single submitter. Criteria: GeneDx Variant Classification (06012015). Collection method: clinical testing. Allele origin: germline. Affected: yes.
Comment: This variant is considered likely benign or benign based on one or more of the following criteria: it is a conservative change, it occurs at a poorly conserved position in the protein, it is predicted to be benign by multiple in silico algorithms, and/or has population frequency not consistent with disease.

Breakthrough Genomics
Classification: Benign. Review status: criteria provided, single submitter. Criteria: ACMG Guidelines, 2015. Collection method: not provided. Allele origin: germline. Inheritance: Autosomal recessive inheritance. Affected: yes.

NM_000257.4(MYH7):c.530+107C>A

Gene: MYH7 (myosin heavy chain 7; minus strand). Cytogenetic location: 14q11.2.
Variant type: single nucleotide variant.
Coding change: c.530+107C>A on transcript NM_000257.4 (MANE Select); 107 bases into the intron after coding-DNA position 530, C replaced by A.
Molecular consequence: intron variant.
Genome position (GRCh38, 1-based): chr14:23,432,372, G>T on the plus strand (C>A on the coding strand, the complement: MYH7 is on the minus strand). VCF-style: chr14-23432372-G-T. GRCh37 (hg19) VCF-style: chr14-23901581-G-T.
Identifiers: ClinVar variation 675373 (VCV000675373.2), dbSNP rs114763452, ClinGen allele CA257826339.